The following is an entry in ClinVar:

ClinVar aggregate classification (germline): Uncertain significance (1 of 4 stars; one submission).

Conditions:
Early Myoclonic Encephalopathy. Identifiers: MedGen C0270855.

gnomAD v4.1: 2 of 1,605,570 alleles (0.00012%); highest among the groups gnomAD compares: Non-Finnish European, 0.00017%; no homozygotes.

Submission:

Labcorp Genetics (formerly Invitae), Labcorp
Classification: Uncertain significance for Early Myoclonic Encephalopathy. Last evaluated: 2023-02-09. Review status: criteria provided, single submitter. Criteria: Invitae Variant Classification Sherloc (09022015). Collection method: clinical testing. Allele origin: germline.
Comment: In summary, the available evidence is currently insufficient to determine the role of this variant in disease. Therefore, it has been classified as a Variant of Uncertain Significance. Advanced modeling of protein sequence and biophysical properties (such as structural, functional, and spatial information, amino acid conservation, physicochemical variation, residue mobility, and thermodynamic stability) performed at Invitae indicates that this missense variant is not expected to disrupt JMJD1C protein function. This variant has not been reported in the literature in individuals affected with JMJD1C-related conditions. This variant is not present in population databases (gnomAD no frequency). This sequence change replaces glycine, which is neutral and non-polar, with valine, which is neutral and non-polar, at codon 1625 of the JMJD1C protein (p.Gly1625Val).

NM_032776.3(JMJD1C):c.4874G>T (p.Gly1625Val)

Gene: JMJD1C (jumonji domain containing 1C; minus strand). Cytogenetic location: 10q21.3.
Variant type: single nucleotide variant.
Coding change: c.4874G>T on transcript NM_032776.3 (MANE Select); coding-DNA position 4874, G replaced by T.
Protein change: p.Gly1625Val; replaces glycine 1625 with valine.
Molecular consequence: missense variant. On other transcripts: non-coding transcript variant (1).
Genome position (GRCh38, 1-based): chr10:63,206,795, C>A on the plus strand (G>T on the coding strand, the complement: JMJD1C is on the minus strand). VCF-style: chr10-63206795-C-A. GRCh37 (hg19) VCF-style: chr10-64966555-C-A.
Other names: c.4328G>T, p.Gly1443Val (NM_001282948.2, NM_001318154.2); c.4010G>T, p.Gly1337Val (NM_001318153.2); c.4760G>T, p.Gly1587Val (NM_001322252.2); c.4217G>T, p.Gly1406Val (NM_001322254.2, NM_001322258.2); short protein forms G1406V, G1625V, G1587V, G1337V, G1443V.
Identifiers: ClinVar variation 2095081 (VCV002095081.4), dbSNP rs1846677182, ClinGen allele CA377036102.